The following is an entry in ClinVar:

ClinVar aggregate classification (germline): Pathogenic/Likely pathogenic. Review status: criteria provided, multiple submitters, no conflicts (2 of 4 stars). 11 submissions from 11 submitters: Pathogenic (9); Likely pathogenic (1). 1 of the submissions does not count toward it. Last evaluated 2026-08-27.

Conditions:
MYO7A-related disorder. Also called: MYO7A-related disorders.
Rare genetic deafness. Identifiers: Orphanet 96210, MedGen C5680250.
Retinal dystrophy. Also called: Inherited retinal dystrophy. Identifiers: Orphanet 71862, MedGen C0854723, MeSH D058499, MONDO:0019118, HP:0000556.
Autosomal recessive nonsyndromic hearing loss 2. Also called: DEAFNESS, AUTOSOMAL RECESSIVE 2; NEUROSENSORY NONSYNDROMIC RECESSIVE DEAFNESS 2. Identifiers: Orphanet 90636, MedGen C1838701, MONDO:0010807, OMIM 600060.
Usher syndrome type 1 (USH1). Also called: RETINITIS PIGMENTOSA AND CONGENITAL DEAFNESS. Identifiers: Orphanet 231169, Orphanet 886, MedGen C1568247, MONDO:0010168, OMIM 276900.
Autosomal dominant nonsyndromic hearing loss 11. Identifiers: Orphanet 90635, MedGen C1832475, MONDO:0011032, OMIM 601317.
Usher syndrome type 1B (USH1B). Also called: Usher syndrome type IB. Identifiers: MedGen C1848638, MONDO:0700087.

Allele frequency attached by ClinVar (database versions not stated): ExAC 0.00002; TOPMed 0.00002; gnomAD exomes 0.00003; gnomAD 0.00001.
gnomAD v4.1: 35 of 1,613,798 alleles (0.0022%); highest among the groups gnomAD compares: African/African-American, 0.0027%; no homozygotes.

Submissions (11):

PreventionGenetics, part of Exact Sciences
Classification: Pathogenic for MYO7A-related condition. Last evaluated: 2026-08-27. Review status: criteria provided, single submitter. Criteria: ACMG Guidelines, 2015. Collection method: clinical testing. Allele origin: germline.
Comment: The MYO7A c.494C>T variant is predicted to result in the amino acid substitution p.Thr165Met. This variant has been reported as pathogenic for autosomal recessive Usher syndrome (Ouyang et al. 2005. PubMed ID: 15660226; Aparisi et al. 2014. PubMed ID: 25404053; Table S3, Sloan-Heggen et al 2016. PubMed ID: 26969326; Gerber et al. 2006. PubMed ID: 16400615; Table S1, Bonnet et al. 2016. PubMed ID: 27460420; Roux et al. 2006. PubMed ID: 16679490; Rong et al. 2014. PubMed ID: 24831256; Supplementary Table 1, Weisschuh. 2024. PubMed ID: 37734845). This variant is reported in 0.0062% of alleles in individuals of European (Non-Finnish) descent in gnomAD. This variant is interpreted as pathogenic.

Labcorp Genetics (formerly Invitae), Labcorp
Classification: Pathogenic. Last evaluated: 2026-01-21. Review status: criteria provided, single submitter. Criteria: Invitae Variant Classification Sherloc (09022015). Collection method: clinical testing. Allele origin: germline.
Comment: This sequence change replaces threonine, which is neutral and polar, with methionine, which is neutral and non-polar, at codon 165 of the MYO7A protein (p.Thr165Met). This variant is present in population databases (rs111033174, gnomAD 0.006%). This missense change has been observed in individual(s) with Usher syndrome (PMID: 16400615, 16679490, 24831256, 25404053, 26969326, 27460420). In at least one individual the data is consistent with being in trans (on the opposite chromosome) from a pathogenic variant. ClinVar contains an entry for this variant (Variation ID: 43264). Invitae Evidence Modeling of protein sequence and biophysical properties (such as structural, functional, and spatial information, amino acid conservation, physicochemical variation, residue mobility, and thermodynamic stability) indicates that this missense variant is expected to disrupt MYO7A protein function with a positive predictive value of 95%. For these reasons, this variant has been classified as Pathogenic.

Natera, Inc.
Classification: Pathogenic for Usher syndrome type 1B. Last evaluated: 2025-09-12. Review status: criteria provided, single submitter. Criteria: Natera Variant Classification Schema (03/2026). Collection method: clinical testing. Allele origin: germline.
Comment: The c.494C>T variant in MYO7A is a missense variant predicted to cause substitution of threonine to methionine at amino acid 165. This variant is rare in the general population with a frequency below the threshold expected for the associated phenotype(s). This variant has been observed in one or more individuals affected with the associated recessive disease, as either homozygous or compound heterozygous with a second variant (PMID: 21569298, 26969326). Computational prediction algorithms indicate this variant is likely to affect gene or protein function. Given the available evidence, this variant is classified as Pathogenic.

Fulgent Genetics
Classification: Pathogenic for Usher syndrome type 1; Autosomal recessive nonsyndromic hearing loss 2; Autosomal dominant nonsyndromic hearing loss 11. Last evaluated: 2024-05-31. Review status: criteria provided, single submitter. Criteria: ACMG Guidelines, 2015. Collection method: clinical testing. Allele origin: germline.

Blueprint Genetics
Classification: Pathogenic for MYO7A-related disorders. Last evaluated: 2023-03-31. Review status: criteria provided, single submitter. Criteria: ACMG Guidelines, 2015. Collection method: clinical testing. Allele origin: germline. Affected: yes. Observed: 5 variant alleles.

GeneDx
Classification: Pathogenic. Last evaluated: 2020-11-03. Review status: criteria provided, single submitter. Criteria: GeneDx Variant Classification Process June 2021. Collection method: clinical testing. Allele origin: germline. Affected: yes.
Comment: In silico analysis supports that this missense variant has a deleterious effect on protein structure/function; This variant is associated with the following publications: (PMID: 16400615, 15660226, 16963483, 24831256, 25404053, 27460420, 21436283, 31479088, 30800556, 24014347, 26969326, 16679490, 33576163, 31589614)

Institute of Medical Genetics and Applied Genomics, University Hospital Tübingen
Classification: Pathogenic. Last evaluated: 2020-10-23. Review status: criteria provided, single submitter. Criteria: ACMG Guidelines, 2015. Collection method: clinical testing. Allele origin: germline. Inheritance: Autosomal unknown. Affected: yes.

Laboratory for Molecular Medicine, Mass General Brigham Personalized Medicine
Classification: Pathogenic for Rare genetic deafness. Last evaluated: 2012-11-29. Review status: criteria provided, single submitter. Criteria: LMM Criteria. Collection method: clinical testing. Allele origin: germline. Inheritance: Autosomal recessive inheritance. Observed: 3 variant alleles.
Comment: The Thr165Met variant in MYO7A has been reported in 4 individuals with Usher syn drome and was absent from 1116 chromosomes (Roux 2011, Gerber 2006, Ouyang 2005, Roux 2006). Three of these individuals were homozygous or compound heterozygous . In su mmary, this variant meets our criteria to be classified as pathogenic.

Institute of Human Genetics, Univ. Regensburg, Univ. Regensburg
Classification: Likely pathogenic for Retinal dystrophy. Last evaluated: 2012-01-01. Review status: criteria provided, single submitter. Criteria: ACMG Guidelines, 2015. Collection method: clinical testing. Allele origin: germline. Affected: yes.

Genetics Research Center, University of Social Welfare and Rehabilitation Sciences
Classification: Pathogenic for Autosomal recessive nonsyndromic hearing loss 2. Review status: criteria provided, single submitter. Criteria: ACMG Guidelines, 2015. Collection method: research. Allele origin: germline. Affected: yes.
Comment: The variant is present in the gnomAD v2.1.1 dataset at a very low allele frequency (0.003%) and has been previously reported in individual(s) affected with MYO7A-related hearing loss (PMID: 16400615, 15660226, 16963483, 24831256, 25404053, 27460420, 31479088, 30800556, 24014347, 26969326, 16679490, 33576163, 31589614). Another missense variant in the same codon, p.Thr165Ala, has also been reported in patient(s) with Usher syndrome (PMID:21436283, 18484607). The variant is predicted to be damaging by multiple in-silico tools.

Counsyl
Classification: Likely pathogenic for Autosomal recessive nonsyndromic hearing loss 2. Last evaluated: 2017-04-04. Review status: no assertion criteria provided. Collection method: clinical testing. Allele origin: unknown. Not counted in ClinVar's aggregate classification.

Literature cited by the submitters: PubMed 16400615 (cited by 3 submitters); PubMed 16679490 (cited by 3 submitters); PubMed 24831256 (cited by 3 submitters); PubMed 25404053 (cited by 4 submitters); PubMed 26969326 (cited by 5 submitters); PubMed 27460420 (cited by 3 submitters); PubMed 21569298 (cited by Natera, Inc. and Counsyl); PubMed 15660226 (cited by 3 submitters); PubMed 21436283 (cited by 3 submitters); PubMed 31589614 (cited by Institute of Human Genetics, Univ. Regensburg, Univ. Regensburg and Genetics Research Center, University of Social Welfare and Rehabilitation Sciences); PubMed 31479088 (cited by Institute of Human Genetics, Univ. Regensburg, Univ. Regensburg and Genetics Research Center, University of Social Welfare and Rehabilitation Sciences); PubMed 31964843 (cited by Institute of Human Genetics, Univ. Regensburg, Univ. Regensburg); PubMed 32531858 (cited by Institute of Human Genetics, Univ. Regensburg, Univ. Regensburg); PubMed 33576163 (cited by Institute of Human Genetics, Univ. Regensburg, Univ. Regensburg and Genetics Research Center, University of Social Welfare and Rehabilitation Sciences); PubMed 34948090 (cited by Institute of Human Genetics, Univ. Regensburg, Univ. Regensburg); PubMed 16963483 (cited by Genetics Research Center, University of Social Welfare and Rehabilitation Sciences); PubMed 30800556 (cited by Genetics Research Center, University of Social Welfare and Rehabilitation Sciences); PubMed 24014347 (cited by Genetics Research Center, University of Social Welfare and Rehabilitation Sciences); PubMed 18484607 (cited by Genetics Research Center, University of Social Welfare and Rehabilitation Sciences).

NM_000260.4(MYO7A):c.494C>T (p.Thr165Met)

Gene: MYO7A (myosin VIIA; plus strand). Cytogenetic location: 11q13.5.
Variant type: single nucleotide variant.
Coding change: c.494C>T on transcript NM_000260.4 (MANE Select); coding-DNA position 494, C replaced by T.
Protein change: p.Thr165Met; replaces threonine 165 with methionine.
Molecular consequence: missense variant.
Genome position (GRCh38, 1-based): chr11:77,156,683, C>T. VCF-style: chr11-77156683-C-T. GRCh37 (hg19) VCF-style: chr11-76867729-C-T.
Other names: c.494C>T, p.Thr165Met (NM_001127180.2); c.461C>T, p.Thr154Met (NM_001369365.1); short protein forms T165M, T154M.
Identifiers: ClinVar variation 43264 (VCV000043264.26), dbSNP rs111033174, ClinGen allele CA278676.